The following is an entry in ClinVar:

NM_016284.5(CNOT1):c.637+6G>A

Gene: CNOT1 (CCR4-NOT transcription complex subunit 1; minus strand). Cytogenetic location: 16q21.
Variant type: single nucleotide variant.
Coding change: c.637+6G>A on transcript NM_016284.5 (MANE Select); 6 bases into the intron after coding-DNA position 637, G replaced by A.
Molecular consequence: intron variant.
Genome position (GRCh38, 1-based): chr16:58,586,539, C>T on the plus strand (G>A on the coding strand, the complement: CNOT1 is on the minus strand). VCF-style: chr16-58586539-C-T. GRCh37 (hg19) VCF-style: chr16-58620443-C-T.
Other names: c.637+6G>A (NM_001265612.2, NM_206999.3).
Identifiers: ClinVar variation 3704301 (VCV003704301.2).

ClinVar aggregate classification (germline): Uncertain significance (1 of 4 stars; one submission).

gnomAD v4.1: 6 of 1,608,214 alleles (0.00037%); highest among the groups gnomAD compares: African/African-American, 0.0014%; no homozygotes.

Submission:

Labcorp Genetics (formerly Invitae), Labcorp
Classification: Uncertain significance. Last evaluated: 2024-11-30. Review status: criteria provided, single submitter. Criteria: Invitae Variant Classification Sherloc (09022015). Collection method: clinical testing. Allele origin: germline.
Comment: This sequence change falls in intron 7 of the CNOT1 gene. It does not directly change the encoded amino acid sequence of the CNOT1 protein. It affects a nucleotide within the consensus splice site. The frequency data for this variant in the population databases is considered unreliable, as metrics indicate poor data quality at this position in the gnomAD database. This variant has not been reported in the literature in individuals affected with CNOT1-related conditions. Variants that disrupt the consensus splice site are a relatively common cause of aberrant splicing (PMID: 17576681, 9536098). Algorithms developed to predict the effect of sequence changes on RNA splicing suggest that this variant is not likely to affect RNA splicing. In summary, the available evidence is currently insufficient to determine the role of this variant in disease. Therefore, it has been classified as a Variant of Uncertain Significance.

Literature cited by the submitters: PubMed 17576681; PubMed 9536098.